The following is an entry in ClinVar:

ClinVar aggregate classification (germline): Benign/Likely benign. Review status: criteria provided, multiple submitters, no conflicts (2 of 4 stars). 4 submissions from 4 submitters: Benign (1); Likely benign (3). Last evaluated 2026-07-01.

Allele frequency attached by ClinVar (database versions not stated): 1000 Genomes Project 30x 0.00172; 1000 Genomes Project 0.00180; gnomAD 0.00303 and 0.00304; TOPMed 0.00318; ESP Exome Variant Server 0.00361; gnomAD exomes 0.00384 and 0.00398; ExAC 0.00403.

Submissions (4):

CeGaT Center for Human Genetics Tuebingen
Classification: Likely benign. Last evaluated: 2026-07-01. Review status: criteria provided, single submitter. Criteria: CeGaT Center For Human Genetics Tuebingen Variant Classification Criteria Version 2. Collection method: clinical testing. Allele origin: germline. Affected: yes. Observed: 3 variant alleles.
Comment: IL11RA: BP4, BP7, BS2

Labcorp Genetics (formerly Invitae), Labcorp
Classification: Benign. Last evaluated: 2026-01-12. Review status: criteria provided, single submitter. Criteria: Invitae Variant Classification Sherloc (09022015). Collection method: clinical testing. Allele origin: germline.

GeneDx
Classification: Likely benign. Last evaluated: 2021-02-23. Review status: criteria provided, single submitter. Criteria: GeneDx Variant Classification Process June 2021. Collection method: clinical testing. Allele origin: germline. Affected: yes.

Breakthrough Genomics
Classification: Likely benign. Review status: criteria provided, single submitter. Criteria: ACMG Guidelines, 2015. Collection method: not provided. Allele origin: germline. Inheritance: Autosomal recessive inheritance. Affected: yes.

NM_001142784.3(IL11RA):c.723A>G (p.Thr241=)

Gene: IL11RA (interleukin 11 receptor subunit alpha; plus strand). Cytogenetic location: 9p13.3.
Variant type: single nucleotide variant.
Coding change: c.723A>G on transcript NM_001142784.3 (MANE Select); coding-DNA position 723, A replaced by G.
Protein change: p.Thr241=; no amino-acid change (threonine 241 retained).
Molecular consequence: synonymous variant. On other transcripts: non-coding transcript variant (1).
Genome position (GRCh38, 1-based): chr9:34,658,596, A>G. VCF-style: chr9-34658596-A-G. GRCh37 (hg19) VCF-style: chr9-34658593-A-G.
Identifiers: ClinVar variation 715735 (VCV000715735.36), dbSNP rs140455675, ClinGen allele CA5036577.
Genomic context (GRCh38, chr9:34,658,596, plus strand): 5'-CCAGGGCCTGCGGGTAGAGTCAGTACCAGGTTACCCCCGACGCCTGCGAGCCAGCTGGAC[A>G]TACCCTGCCTCCTGGCCGTGCCAGCCCCACTTCCTGCTCAAGTTCCGTTTGCAGTACCGT-3'
Protein context (NP_001136256.1, residues 231-251): GYPRRLRASW[Thr241=]YPASWPCQPH